The following is an entry in ClinVar:

NM_003072.5(SMARCA4):c.2327T>C (p.Ile776Thr)

Gene: SMARCA4 (SWI/SNF related, matrix associated, actin dependent regulator of chromatin, subfamily a, member 4; plus strand). Cytogenetic location: 19p13.2.
Variant type: single nucleotide variant.
Coding change: c.2327T>C on transcript NM_003072.5 (MANE Select); coding-DNA position 2327, T replaced by C.
Protein change: p.Ile776Thr; replaces isoleucine 776 with threonine.
Molecular consequence: missense variant. On other transcripts: non-coding transcript variant (1).
Genome position (GRCh38, 1-based): chr19:11,013,001, T>C. VCF-style: chr19-11013001-T-C. GRCh37 (hg19) VCF-style: chr19-11123677-T-C.
Other names: c.2327T>C, p.Ile776Thr (NM_001128844.3, NM_001128845.2, NM_001128846.2 and 5 more transcripts); short protein forms I776T.
Identifiers: ClinVar variation 1312355 (VCV001312355.2), dbSNP rs2146278237, ClinGen allele CA404053116.

ClinVar aggregate classification (germline): Uncertain significance (1 of 4 stars; one submission).

Submission:

GeneDx
Classification: Uncertain significance. Last evaluated: 2019-09-23. Review status: criteria provided, single submitter. Criteria: GeneDx Variant Classification Process June 2021. Collection method: clinical testing. Allele origin: germline. Affected: yes.
Comment: Not observed in large population cohorts (Lek et al., 2016); In silico analysis, which includes protein predictors and evolutionary conservation, supports a deleterious effect; Has not been previously published as pathogenic or benign to our knowledge